The following is an entry in ClinVar:

NM_152305.3(POGLUT1):c.579-133C>T

Gene: POGLUT1 (protein O-glucosyltransferase 1; plus strand). Cytogenetic location: 3q13.33.
Variant type: single nucleotide variant.
Coding change: c.579-133C>T on transcript NM_152305.3 (MANE Select); 133 bases into the intron before coding-DNA position 579, C replaced by T.
Molecular consequence: intron variant.
Genome position (GRCh38, 1-based): chr3:119,485,195, C>T. VCF-style: chr3-119485195-C-T. GRCh37 (hg19) VCF-style: chr3-119204042-C-T.
Identifiers: ClinVar variation 1683862 (VCV001683862.2), dbSNP rs142228833, ClinGen allele CA81701125.

ClinVar aggregate classification (germline): Likely benign (1 of 4 stars; one submission).

Allele frequency attached by ClinVar (database versions not stated): gnomAD 0.00758 and 0.00809; TOPMed 0.00764; 1000 Genomes Project 0.00799; 1000 Genomes Project 30x 0.00812.
gnomAD v4.1: 1,430 of 543,114 alleles (0.26%); highest among the groups gnomAD compares: African/African-American, 2.6%; 25 homozygotes.

Submission:

GeneDx
Classification: Likely benign. Last evaluated: 2021-05-26. Review status: criteria provided, single submitter. Criteria: GeneDx Variant Classification Process June 2021. Collection method: clinical testing. Allele origin: germline. Affected: yes.
Comment: See Variant Classification Assertion Criteria.